The following is an entry in ClinVar:

ClinVar aggregate classification (germline): Uncertain significance. Review status: criteria provided, multiple submitters, no conflicts (2 of 4 stars). 2 submissions from 2 submitters: Uncertain significance (2). Last evaluated 2026-04-09.

Conditions:
AHDC1-related disorder. Also called: AHDC1-related condition.

Allele frequency attached by ClinVar (database versions not stated): gnomAD exomes below 0.00001; gnomAD 0.00001.
gnomAD v4.1: 8 of 1,613,346 alleles (0.0005%); highest among the groups gnomAD compares: East Asian, 0.0022%; no homozygotes.

Submissions (2):

PreventionGenetics, part of Exact Sciences
Classification: Uncertain significance for AHDC1-related condition. Last evaluated: 2026-04-09. Review status: criteria provided, single submitter. Criteria: ACMG Guidelines, 2015. Collection method: clinical testing. Allele origin: germline.
Comment: The AHDC1 c.464C>T variant is predicted to result in the amino acid substitution p.Pro155Leu. To our knowledge, this variant has not been reported in the literature or in a large population database (gnomAD), indicating this variant is rare. At this time, the clinical significance of this variant is uncertain due to the absence of conclusive functional and genetic evidence.

Labcorp Genetics (formerly Invitae), Labcorp
Classification: Uncertain significance. Last evaluated: 2024-05-24. Review status: criteria provided, single submitter. Criteria: Invitae Variant Classification Sherloc (09022015). Collection method: clinical testing. Allele origin: germline.
Comment: This sequence change replaces proline, which is neutral and non-polar, with leucine, which is neutral and non-polar, at codon 155 of the AHDC1 protein (p.Pro155Leu). This variant is not present in population databases (gnomAD no frequency). This variant has not been reported in the literature in individuals affected with AHDC1-related conditions. An algorithm developed to predict the effect of missense changes on protein structure and function (PolyPhen-2) suggests that this variant is likely to be disruptive. In summary, the available evidence is currently insufficient to determine the role of this variant in disease. Therefore, it has been classified as a Variant of Uncertain Significance.

NM_001371928.1(AHDC1):c.464C>T (p.Pro155Leu)

Gene: AHDC1 (AT-hook DNA binding motif containing 1; minus strand). Cytogenetic location: 1p36.11.
Variant type: single nucleotide variant.
Coding change: c.464C>T on transcript NM_001371928.1 (MANE Select); coding-DNA position 464, C replaced by T.
Protein change: p.Pro155Leu; replaces proline 155 with leucine.
Molecular consequence: missense variant.
Genome position (GRCh38, 1-based): chr1:27,551,652, G>A on the plus strand (C>T on the coding strand, the complement: AHDC1 is on the minus strand). VCF-style: chr1-27551652-G-A. GRCh37 (hg19) VCF-style: chr1-27878163-G-A.
Other names: c.464C>T, p.Pro155Leu (NM_001029882.3); short protein forms P155L.
Identifiers: ClinVar variation 2992776 (VCV002992776.4), dbSNP rs201594464, ClinGen allele CA19879044.
Genomic context (GRCh38, chr1:27,551,652, plus strand): 5'-TTGGCCAAACTGGGTGAGGAGAAGAAGCTGTACTGTAGGTCGCCGGGTGGCGGTGCAGGC[G>A]GGCGGCTCAGTCGGAGCCCACCACAGTCCAGGTGTACACCACTGTGCTGCAGGTCCTGGG-3'
Protein context (NP_001358857.1, residues 145-165): LDCGGLRLSR[Pro155Leu]PAPPPGDLQY